The following is an entry in ClinVar:

NM_000455.5(STK11):c.1224C>T (p.Gly408=)

Gene: STK11 (serine/threonine kinase 11; plus strand). Cytogenetic location: 19p13.3.
Variant type: single nucleotide variant.
Coding change: c.1224C>T on transcript NM_000455.5 (MANE Select); coding-DNA position 1224, C replaced by T.
Protein change: p.Gly408=; no amino-acid change (glycine 408 retained).
Molecular consequence: synonymous variant.
Genome position (GRCh38, 1-based): chr19:1,226,569, C>T. VCF-style: chr19-1226569-C-T. GRCh37 (hg19) VCF-style: chr19-1226568-C-T.
Identifiers: ClinVar variation 484991 (VCV000484991.19), dbSNP rs1555740206, ClinGen allele CA402953842.
Genomic context (GRCh38, chr19:1,226,569, plus strand): 5'-GGCCGTGTGTATGAACGGCACAGAGGCGGCGCAGCTGAGCACCAAATCCAGGGCGGAGGG[C>T]CGGGCCCCCAACCCTGCCCGCAAGGCCTGCTCCGCCAGCAGCAAGATCCGCCGGCTGTCG-3'
Protein context (NP_000446.1, residues 398-418): AQLSTKSRAE[Gly408=]RAPNPARKAC

ClinVar aggregate classification (germline): Benign/Likely benign. Review status: criteria provided, multiple submitters, no conflicts (2 of 4 stars). 6 submissions from 6 submitters: Benign (1); Likely benign (5). Last evaluated 2025-03-31.

Conditions:
Hereditary cancer-predisposing syndrome. Also called: Hereditary neoplastic syndrome; Neoplastic Syndromes, Hereditary; Tumor predisposition; Hereditary Cancer Syndrome. Identifiers: Orphanet 140162, MedGen C0027672, MeSH D009386, MONDO:0015356.
Peutz-Jeghers syndrome (PJS). Also called: POLYPOSIS, HAMARTOMATOUS INTESTINAL; POLYPS-AND-SPOTS SYNDROME; Peutz-Jeghers polyposis; Periorificial lentiginosis syndrome. Identifiers: Orphanet 2869, MedGen C0031269, MeSH D010580, MONDO:0008280, OMIM 175200.

Submissions (6):

Myriad Genetics, Inc.
Classification: Benign for Peutz-Jeghers syndrome. Last evaluated: 2025-03-31. Review status: criteria provided, single submitter. Criteria: Myriad Autosomal Dominant, Autosomal Recessive and X-Linked Classification Criteria (2023). Collection method: clinical testing. Allele origin: unknown.
Comment: This variant is considered benign. This variant is a silent/synonymous amino acid change and it is not expected to impact splicing.

Center for Genomic Medicine, Rigshospitalet, Copenhagen University Hospital
Classification: Likely benign. Last evaluated: 2025-03-04. Review status: criteria provided, single submitter. Criteria: ACMG Guidelines, 2015. Collection method: clinical testing. Allele origin: germline.

Labcorp Genetics (formerly Invitae), Labcorp
Classification: Likely benign for Peutz-Jeghers syndrome. Last evaluated: 2024-06-26. Review status: criteria provided, single submitter. Criteria: Invitae Variant Classification Sherloc (09022015). Collection method: clinical testing. Allele origin: germline.

All of Us Research Program, National Institutes of Health
Classification: Likely benign for Peutz-Jeghers syndrome. Last evaluated: 2023-11-20. Review status: criteria provided, single submitter. Criteria: ACMG Guidelines, 2015. Collection method: clinical testing. Allele origin: germline. Inheritance: Autosomal dominant inheritance. Observed: 1 variant allele, 1 heterozygote.
Comment: This study involves interpretation of variants in research participants for the purpose of population health screening. Participant phenotype was not available at the time of variant classification. Additional details can be found in publication PMID: 35346344, PMCID: PMC8962531

Color Diagnostics, LLC DBA Color Health
Classification: Likely benign for Hereditary cancer-predisposing syndrome. Last evaluated: 2023-11-08. Review status: criteria provided, single submitter. Criteria: ACMG Guidelines, 2015. Collection method: clinical testing. Allele origin: germline.

Ambry Genetics
Classification: Likely benign for Hereditary cancer-predisposing syndrome. Last evaluated: 2016-09-28. Review status: criteria provided, single submitter. Criteria: Ambry Variant Classification Scheme 2023. Collection method: clinical testing. Allele origin: germline.